The following is an entry in ClinVar:

NM_000313.4(PROS1):c.1916G>A (p.Cys639Tyr)

Gene: PROS1 (protein S; minus strand). Cytogenetic location: 3q11.1.
Variant type: single nucleotide variant.
Coding change: c.1916G>A on transcript NM_000313.4 (MANE Select); coding-DNA position 1916, G replaced by A.
Protein change: p.Cys639Tyr; replaces cysteine 639 with tyrosine.
Molecular consequence: missense variant.
Genome position (GRCh38, 1-based): chr3:93,874,360, C>T on the plus strand (G>A on the coding strand, the complement: PROS1 is on the minus strand). VCF-style: chr3-93874360-C-T. GRCh37 (hg19) VCF-style: chr3-93593204-C-T.
Other names: c.2012G>A, p.Cys671Tyr (NM_001314077.2); short protein forms C639Y, C671Y.
Identifiers: ClinVar variation 627025 (VCV000627025.5), dbSNP rs1576170616, ClinGen allele CA353669955.

ClinVar aggregate classification (germline): Pathogenic/Likely pathogenic. Review status: criteria provided, multiple submitters, no conflicts (2 of 4 stars). 2 submissions from 2 submitters: Pathogenic (1); Likely pathogenic (1). Last evaluated 2025-08-21.

Conditions:
Protein S deficiency disease. Also called: Protein S deficiency. Identifiers: MedGen C0242666, MeSH D018455, MONDO:0002304.
Thrombophilia due to protein S deficiency, autosomal recessive (THPH6). Identifiers: Orphanet 743, MedGen C3281092, MONDO:0013791, OMIM 614514. Disease mechanism: loss of function.

Submissions (2):

Labcorp Genetics (formerly Invitae), Labcorp
Classification: Likely pathogenic for Thrombophilia due to protein S deficiency, autosomal recessive. Last evaluated: 2025-08-21. Review status: criteria provided, single submitter. Criteria: Invitae Variant Classification Sherloc (09022015). Collection method: clinical testing. Allele origin: germline.
Comment: This sequence change replaces cysteine, which is neutral and slightly polar, with tyrosine, which is neutral and polar, at codon 639 of the PROS1 protein (p.Cys639Tyr). This variant is not present in population databases (gnomAD no frequency). This missense change has been observed in individuals with clinical features of protein S deficiency and venous thrombosis (PMID: 15712227, 35626216; internal data). This variant is also known as Cys598Tyr. ClinVar contains an entry for this variant (Variation ID: 627025). Invitae Evidence Modeling of protein sequence and biophysical properties (such as structural, functional, and spatial information, amino acid conservation, physicochemical variation, residue mobility, and thermodynamic stability) has been performed for this missense variant. However, the output from this modeling did not meet the statistical confidence thresholds required to predict the impact of this variant on PROS1 protein function. Studies have shown that this missense change alters PROS1 gene expression (PMID: 15712227). This variant disrupts the p.Cys639 amino acid residue in PROS1. Other variant(s) that disrupt this residue have been observed in individuals with PROS1-related conditions (PMID: 9031443, 30669159), which suggests that this may be a clinically significant amino acid residue. In summary, the currently available evidence indicates that the variant is pathogenic, but additional data are needed to prove that conclusively. Therefore, this variant has been classified as Likely Pathogenic.

NIHR Bioresource Rare Diseases, University of Cambridge
Classification: Pathogenic for Reduced protein S activity. Last evaluated: 2019-02-01. Review status: criteria provided, single submitter. Criteria: ACMG Guidelines, 2015. Collection method: research. Allele origin: unknown. Affected: yes. Observed: 1 heterozygote. Study: ThromboGenomics.

Literature cited by the submitters: PubMed 15712227 (cited by Labcorp Genetics (formerly Invitae), Labcorp); PubMed 35626216 (cited by Labcorp Genetics (formerly Invitae), Labcorp); PubMed 9031443 (cited by Labcorp Genetics (formerly Invitae), Labcorp); PubMed 30669159 (cited by Labcorp Genetics (formerly Invitae), Labcorp); PubMed 31064749 (cited by NIHR Bioresource Rare Diseases, University of Cambridge).